The following is an entry in ClinVar:

ClinVar aggregate classification (germline): Pathogenic (1 of 4 stars; one submission).

Submission:

Labcorp Genetics (formerly Invitae), Labcorp
Classification: Pathogenic. Last evaluated: 2024-05-21. Review status: criteria provided, single submitter. Criteria: Invitae Variant Classification Sherloc (09022015). Collection method: clinical testing. Allele origin: germline.
Comment: This sequence change creates a premature translational stop signal (p.Glu1165Aspfs*3) in the HIVEP2 gene. It is expected to result in an absent or disrupted protein product. Loss-of-function variants in HIVEP2 are known to be pathogenic (PMID: 27003583). This variant is not present in population databases (gnomAD no frequency). This variant has not been reported in the literature in individuals affected with HIVEP2-related conditions. For these reasons, this variant has been classified as Pathogenic.

Literature cited by the submitters: PubMed 27003583.

NM_006734.4(HIVEP2):c.3495del (p.Glu1165fs)

Gene: HIVEP2 (HIVEP zinc finger 2; minus strand). Cytogenetic location: 6q24.2.
Variant type: Deletion.
Coding change: c.3495del on transcript NM_006734.4 (MANE Select); coding-DNA position 3495, one base deleted (A; older notation c.3495delA).
Protein change: p.Glu1165fs; shifts the reading frame from glutamic acid 1165.
Molecular consequence: frameshift variant.
Genome position (GRCh38, 1-based): chr6:142,771,244, T deleted on the plus strand (A on the coding strand, the reverse complement: HIVEP2 is on the minus strand); the first of 2 consecutive T bases (chr6:142,771,244-142,771,245); deleting either gives the same sequence. VCF-style (leftmost placement, unchanged base first): chr6-142771243-AT-A. GRCh37 (hg19) VCF-style: chr6-143092380-AT-A.
Other names: short protein forms E1165fs.
Identifiers: ClinVar variation 3654001 (VCV003654001.2).